The following is an entry in ClinVar:

NM_024685.4(BBS10):c.2094A>G (p.Ile698Met)

Gene: BBS10 (Bardet-Biedl syndrome 10; minus strand). Cytogenetic location: 12q21.2.
Variant type: single nucleotide variant.
Coding change: c.2094A>G on transcript NM_024685.4 (MANE Select); coding-DNA position 2094, A replaced by G.
Protein change: p.Ile698Met; replaces isoleucine 698 with methionine.
Molecular consequence: missense variant.
Genome position (GRCh38, 1-based): chr12:76,345,891, T>C on the plus strand (A>G on the coding strand, the complement: BBS10 is on the minus strand). VCF-style: chr12-76345891-T-C. GRCh37 (hg19) VCF-style: chr12-76739671-T-C.
Other names: short protein forms I698M.
Identifiers: ClinVar variation 4995109 (VCV004995109.1).
Genomic context (GRCh38, chr12:76,345,891, plus strand): 5'-ATCTTGATTGTGAACTTTCTGAGGGTGTCTCTTAACAGTGATTACCATGTCAATGGTTAA[T>C]ATTTTTGTCAAACACTGAAGAACTGAAGTTAGTAGCTGGTATTTACCCATTACTGATTCC-3'
Protein context (NP_078961.3, residues 688-708): LTSVLQCLTK[Ile698Met]LTIDMVITVK

ClinVar aggregate classification (germline): Uncertain significance (1 of 4 stars; one submission).

Conditions:
BBS10-related disorder. Also called: BBS10-related condition.

gnomAD v4.1: 7 of 1,613,706 alleles (0.00043%); highest among the groups gnomAD compares: African/African-American, 0.0013%; no homozygotes.

Submission:

PreventionGenetics, part of Exact Sciences
Classification: Uncertain significance for BBS10-related condition. Last evaluated: 2026-05-08. Review status: criteria provided, single submitter. Criteria: ACMG Guidelines, 2015. Collection method: clinical testing. Allele origin: germline.
Comment: The BBS10 c.2094A>G variant is predicted to result in the amino acid substitution p.Ile698Met. To our knowledge, this variant has not been reported in the literature. This variant is reported in 0.0029% of alleles in individuals of Latino descent in gnomAD. At this time, the clinical significance of this variant is uncertain due to the absence of conclusive functional and genetic evidence.